The following is an entry in ClinVar:

ClinVar aggregate classification (germline): Uncertain significance. Review status: criteria provided, multiple submitters, no conflicts (2 of 4 stars). 2 submissions from 2 submitters: Uncertain significance (2). Last evaluated 2025-12-18.

Conditions:
Hereditary nonpolyposis colorectal neoplasms. Identifiers: MedGen C0009405, MeSH D003123.
Hereditary cancer-predisposing syndrome. Also called: Neoplastic Syndromes, Hereditary; Tumor predisposition; Hereditary neoplastic syndrome; Hereditary Cancer Syndrome. Identifiers: Orphanet 140162, MedGen C0027672, MeSH D009386, MONDO:0015356.

Submissions (2):

Ambry Genetics
Classification: Uncertain significance for Hereditary cancer-predisposing syndrome. Last evaluated: 2025-12-18. Review status: criteria provided, single submitter. Criteria: Ambry Variant Classification Scheme 2023. Collection method: clinical testing. Allele origin: germline.
Comment: The p.R820K variant (also known as c.2459G>A), located in coding exon 4 of the MSH6 gene, results from a G to A substitution at nucleotide position 2459. The arginine at codon 820 is replaced by lysine, an amino acid with highly similar properties. This amino acid position is conserved. In addition, this alteration is predicted to be deleterious by in silico analysis. Based on the available evidence, the clinical significance of this variant remains unclear.

Labcorp Genetics (formerly Invitae), Labcorp
Classification: Uncertain significance for Hereditary nonpolyposis colorectal neoplasms. Last evaluated: 2022-12-07. Review status: criteria provided, single submitter. Criteria: Invitae Variant Classification Sherloc (09022015). Collection method: clinical testing. Allele origin: germline.
Comment: In summary, the available evidence is currently insufficient to determine the role of this variant in disease. Therefore, it has been classified as a Variant of Uncertain Significance. Advanced modeling of protein sequence and biophysical properties (such as structural, functional, and spatial information, amino acid conservation, physicochemical variation, residue mobility, and thermodynamic stability) has been performed at Invitae for this missense variant, however the output from this modeling did not meet the statistical confidence thresholds required to predict the impact of this variant on MSH6 protein function. ClinVar contains an entry for this variant (Variation ID: 455200). This variant has not been reported in the literature in individuals affected with MSH6-related conditions. This variant is not present in population databases (gnomAD no frequency). This sequence change replaces arginine, which is basic and polar, with lysine, which is basic and polar, at codon 820 of the MSH6 protein (p.Arg820Lys).

NM_000179.3(MSH6):c.2459G>A (p.Arg820Lys)

Gene: MSH6 (mutS homolog 6; plus strand). Cytogenetic location: 2p16.3.
Variant type: single nucleotide variant.
Coding change: c.2459G>A on transcript NM_000179.3 (MANE Select); coding-DNA position 2459, G replaced by A.
Protein change: p.Arg820Lys; replaces arginine 820 with lysine.
Molecular consequence: missense variant.
Genome position (GRCh38, 1-based): chr2:47,800,442, G>A. VCF-style: chr2-47800442-G-A. GRCh37 (hg19) VCF-style: chr2-48027581-G-A.
Other names: c.2069G>A, p.Arg690Lys (NM_001281492.2); c.1553G>A, p.Arg518Lys (NM_001281493.2, NM_001281494.2); short protein forms R820K, R518K, R690K.
Identifiers: ClinVar variation 455200 (VCV000455200.13), dbSNP rs876661204, ClinGen allele CA346754086.
Genomic context (GRCh38, chr2:47,800,442, plus strand): 5'-TTGTGCCTGACAAAATCTCCGAAGTTGTAGAGCTTCTAAAGAAGCTTCCAGATCTTGAGA[G>A]GCTACTCAGTAAAATTCATAATGTTGGGTCTCCCCTGAAGAGTCAGAACCACCCAGACAG-3'
Protein context (NP_000170.1, residues 810-830): ELLKKLPDLE[Arg820Lys]LLSKIHNVGS